The following is an entry in ClinVar:

ClinVar aggregate classification (germline): Likely pathogenic (1 of 4 stars; one submission).

Submission:

GeneDx
Classification: Likely pathogenic. Last evaluated: 2015-03-31. Review status: criteria provided, single submitter. Criteria: GeneDx Variant Classification (06012015). Collection method: clinical testing. Allele origin: germline. Affected: yes.
Comment: The G392E variant in the SATB2 gene has not been published as a pathogenic variant, nor has it been reported as a benign polymorphism to our knowledge. The G392E variant was not observed in approximately 6,500 individuals of European and African American ancestry in the NHLBI Exome Sequencing Project, indicating it is not a common benign variant in these populations. The G392E variant is a non-conservative amino acid substitution, which is likely to impact secondary protein structure as these residues differ in polarity, charge, size and/or other properties. This substitution occurs at a position within the CUT 1 DNA Binding region that is conserved across species. In silico analysis predicts this variant likely does not alter the protein structure/function; however, a missense variant in a nearby residue (R389C) has been reported in the Human Gene Mutation Database in association with an SATB2-related disorder (Stenson et al., 2014), supporting the functional importance of this region of the protein. The G392E variant is a good candidate for a disease-causing variant,However, the possibility it may be a rare benign variant cannot be excluded.

NM_001172509.2(SATB2):c.1175G>A (p.Gly392Glu)

Gene: SATB2 (SATB homeobox 2; minus strand). Cytogenetic location: 2q33.1.
Variant type: single nucleotide variant.
Coding change: c.1175G>A on transcript NM_001172509.2 (MANE Select); coding-DNA position 1175, G replaced by A.
Protein change: p.Gly392Glu; replaces glycine 392 with glutamic acid.
Molecular consequence: missense variant.
Genome position (GRCh38, 1-based): chr2:199,328,909, C>T on the plus strand (G>A on the coding strand, the complement: SATB2 is on the minus strand). VCF-style: chr2-199328909-C-T. GRCh37 (hg19) VCF-style: chr2-200193632-C-T.
Other names: c.1175G>A, p.Gly392Glu (NM_001172517.1, NM_015265.4); short protein forms G392E.
Identifiers: ClinVar variation 427210 (VCV000427210.2), dbSNP rs1085308028, ClinGen allele CA350386590.